The following is an entry in ClinVar:

NM_181458.4(PAX3):c.434G>T (p.Arg145Leu)

Gene: PAX3 (paired box 3; minus strand). Cytogenetic location: 2q36.1.
Variant type: single nucleotide variant.
Coding change: c.434G>T on transcript NM_181458.4 (MANE Select); coding-DNA position 434, G replaced by T.
Protein change: p.Arg145Leu; replaces arginine 145 with leucine.
Molecular consequence: missense variant.
Genome position (GRCh38, 1-based): chr2:222,295,545, C>A on the plus strand (G>T on the coding strand, the complement: PAX3 is on the minus strand). VCF-style: chr2-222295545-C-A. GRCh37 (hg19) VCF-style: chr2-223160264-C-A.
Other names: c.434G>T, p.Arg145Leu (NM_000438.6, NM_013942.5, NM_181457.4 and 3 more transcripts); c.431G>T, p.Arg144Leu (NM_001127366.3); short protein forms R144L, R145L.
Identifiers: ClinVar variation 5006236 (VCV005006236.2).
Genomic context (GRCh38, chr2:222,295,545, plus strand): 5'-GACTGACTGTCGCGCCTCGGGGAGAGGTTAATGGGCCTAGTACCTGACGGCACGGTGTTT[C>A]GATCACAGACCGCGTCCTTGAGTAATTTGTCTCGGATTTCCCAGCTGAACATGCCCGGGT-3'
Protein context (NP_852123.1, residues 135-155): DKLLKDAVCD[Arg145Leu]NTVPSVSSIS

ClinVar aggregate classification (germline): Uncertain significance (1 of 4 stars; one submission).

Conditions:
Alveolar rhabdomyosarcoma (RMS2). Also called: RHABDOMYOSARCOMA 2; Alveolar rhabdomyosarcoma (disease). Identifiers: Orphanet 780, Orphanet 99756, MedGen C0206655, MONDO:0009994, OMIM 268220, HP:0006779.
Waardenburg syndrome type 3 (WS3). Also called: WAARDENBURG SYNDROME WITH UPPER LIMB ANOMALIES; KLEIN-WAARDENBURG SYNDROME; Klein-Waardenberg's syndrome. Identifiers: Orphanet 3440, Orphanet 896, MedGen C0079661, MONDO:0007862, OMIM 148820.
Craniofacial-deafness-hand syndrome (CDHS). Identifiers: Orphanet 1529, MedGen C1852510, MONDO:0007395, OMIM 122880.
Waardenburg syndrome type 1 (WS1). Also called: WAARDENBURG SYNDROME WITH DYSTOPIA CANTHORUM; Waardenburg Syndrome Type I. Identifiers: Orphanet 894, MedGen C1847800, MONDO:0008670, OMIM 193500.

Submission:

Juno Genomics, Hangzhou Juno Genomics, Inc
Classification: Uncertain significance for Craniofacial-deafness-hand syndrome; Alveolar rhabdomyosarcoma; Waardenburg syndrome type 1; Waardenburg syndrome type 3. Review status: criteria provided, single submitter. Criteria: ACMG Guidelines, 2015. Collection method: clinical testing. Allele origin: germline.
Comment: Absent from controls (or at extremely low frequency if recessive) in Genome Aggregation Database.;Multiple lines of computational evidence support a deleterious effect on the gene or gene product.